The following is an entry in ClinVar:

ClinVar aggregate classification (germline): Uncertain significance. Review status: criteria provided, multiple submitters, no conflicts (2 of 4 stars). 10 submissions from 10 submitters: Uncertain significance (10). Last evaluated 2026-02-11.

Conditions:
DDX41-related disorder. Also called: DDX41-related condition.
Inborn genetic diseases. Identifiers: MedGen C0950123, MeSH D030342.
DDX41-related hematologic malignancy predisposition syndrome. Also called: DDX41-Associated Familial Myelodysplastic Syndrome and Acute Myeloid Leukemia; Myeloproliferative/lymphoproliferative neoplasms, familial (multiple types), susceptibility to. Identifiers: Orphanet 488647, MedGen C4225174, MONDO:0014809, OMIM 616871.

Allele frequency attached by ClinVar (database versions not stated): ExAC 0.00015; gnomAD exomes 0.00022 and 0.00040; gnomAD 0.00028 and 0.00031; TOPMed 0.00032; ESP Exome Variant Server 0.00038.

Submissions (10):

St. Jude Molecular Pathology, St. Jude Children's Research Hospital
Classification: Uncertain significance for DDX41-related hematologic malignancy predisposition syndrome. Last evaluated: 2026-02-11. Review status: criteria provided, single submitter. Criteria: St. Jude Assertion Criteria 2020. Collection method: clinical testing. Allele origin: germline.
Comment: The DDX41 c.465G>A p.(Met155Ile) missense change has a maximum subpopulation frequency of 0.042% in gnomAD v2.1.1. The in silico tool REVEL predicts a deleterious effect on protein function, however functional studies demonstrate slightly reduced cellular growth and cell cycle arrest similar to the wildtype (PMID: 37434984). This variant has been reported in individuals with DDX41-related conditions (PMID: 25920683, 33929502, 35443031, 35671390, 37154083, 37199125, 37506341). In summary, the evidence currently available is insufficient to determine the clinical significance of this variant. It has therefore been classified as of uncertain significance.

Labcorp Genetics (formerly Invitae), Labcorp
Classification: Uncertain significance. Last evaluated: 2026-01-21. Review status: criteria provided, single submitter. Criteria: Invitae Variant Classification Sherloc (09022015). Collection method: clinical testing. Allele origin: germline.
Comment: This sequence change replaces methionine, which is neutral and non-polar, with isoleucine, which is neutral and non-polar, at codon 155 of the DDX41 protein (p.Met155Ile). This variant is present in population databases (rs199697328, gnomAD 0.04%), and has an allele count higher than expected for a pathogenic variant. This missense change has been observed in individual(s) with DDX41-related conditions (PMID: 25920683, 33929502, 35443031, 35671390, 37154083, 37199125, 37506341). ClinVar contains an entry for this variant (Variation ID: 1254618). An algorithm developed to predict the effect of missense changes on protein structure and function (PolyPhen-2) suggests that this variant is likely to be tolerated. Studies have shown that this missense change alters DDX41 gene expression (PMID: 39453476). In summary, the available evidence is currently insufficient to determine the role of this variant in disease. Therefore, it has been classified as a Variant of Uncertain Significance.

PreventionGenetics, part of Exact Sciences
Classification: Uncertain significance for DDX41-related condition. Last evaluated: 2025-09-24. Review status: criteria provided, single submitter. Criteria: ACMG Guidelines, 2015. Collection method: clinical testing. Allele origin: germline.
Comment: The DDX41 c.465G>A variant is predicted to result in the amino acid substitution p.Met155Ile. This variant has been reported in numerous individuals with adult onset hematologic malignancies and/or myeloid leukemia (Polprasert et al. 2015. PubMed ID: 25920683; Goyal et al. 2021. PubMed ID: 33929502; Table S3, Duployez et al. 2022. PubMed ID: 35443031; Li et al. 2022. PubMed ID: 35671390; Jelloul et al. 2023. PubMed ID: 37154083; Table S1, Bataller et al. 2023. PubMed ID: 37665752; Table S1, Badar et al. 2023. PubMed ID: 37199125). This variant has also been reported in in the compound heterozygous state in an individual with bone dysplasia, ichthyosis, and dysmorphic features (Sharma et al. 2024. PubMed ID: 39453476). This variant is reported in 0.042% of alleles in individuals of European (non-Finnish) descent in gnomAD. It is interpreted as a variant of uncertain significance in ClinVar (Variation ID: 1254618). At this time, the clinical significance of this variant is uncertain due to the absence of conclusive functional and genetic evidence.

GeneDx
Classification: Uncertain significance. Last evaluated: 2025-05-05. Review status: criteria provided, single submitter. Criteria: GeneDx Variant Classification Process June 2021. Collection method: clinical testing. Allele origin: germline. Affected: yes.
Comment: Observed in the presumed germline of individuals with myeloid disorders or malignancies who lacked a second somatic DDX41 variant (PMID: 33929502, 25920683, 37199125, 35671390, 35443031, 37154083, 37434984, 37874914); Published functional studies demonstrate slightly reduced cellular growth and cell cycle arrest similar to wildtype (PMID: 37434984); In silico analysis suggests that this missense variant does not alter protein structure/function; This variant is associated with the following publications: (PMID: 26712909, 27928732, 28547672, 27502187, 33692849, 33585199, 25920683, 33929502, 35671390, 37199125, 36672294, 37434984, 37874914, 37506341, 35443031, 37154083, 37665752, 38492200)

Blueprint Genetics
Classification: Uncertain significance. Last evaluated: 2024-11-18. Review status: criteria provided, single submitter. Criteria: ACMG Guidelines, 2015. Collection method: clinical testing. Allele origin: germline.

Ambry Genetics
Classification: Uncertain significance for Inborn genetic diseases. Last evaluated: 2024-10-29. Review status: criteria provided, single submitter. Criteria: Ambry Variant Classification Scheme 2023. Collection method: clinical testing. Allele origin: germline.
Comment: The p.M155I variant (also known as c.465G>A), located in coding exon 6 of the DDX41 gene, results from a G to A substitution at nucleotide position 465. The methionine at codon 155 is replaced by isoleucine, an amino acid with highly similar properties. This alteration has been detected in numerous individuals with a suspected or confirmed myeloid neoplasm (Polprasert C et al. Cancer Cell 2015 May;27(5):658-70; Goyal T et al. Am J Clin Pathol 2021 Oct;156(5):829-838; Tierens A et al. Front Oncol 2023 Jun;13:1153082; Jelloul FZ et al. Am J Hematol 2023 Aug;98(8):E193-E196; Badar T et al. Haematologica 2023 Nov;108(11):3033-3043).This amino acid position is highly conserved in available vertebrate species. In addition, this alteration is predicted to be tolerated by in silico analysis. Based on the available evidence, the clinical significance of this variant remains unclear.

Baylor Genetics
Classification: Uncertain significance for DDX41-related hematologic malignancy predisposition syndrome. Last evaluated: 2024-03-24. Review status: criteria provided, single submitter. Criteria: ACMG Guidelines, 2015. Collection method: clinical testing. Allele origin: unknown.

Mendelics
Classification: Uncertain significance. Last evaluated: 2022-05-04. Review status: criteria provided, single submitter. Criteria: Mendelics Assertion Criteria 2019. Collection method: clinical testing. Allele origin: germline.

Fulgent Genetics
Classification: Uncertain significance for DDX41-related hematologic malignancy predisposition syndrome. Last evaluated: 2021-09-29. Review status: criteria provided, single submitter. Criteria: ACMG Guidelines, 2015. Collection method: clinical testing. Allele origin: unknown.

Genetic Services Laboratory, University of Chicago
Classification: Uncertain significance. Last evaluated: 2021-09-17. Review status: criteria provided, single submitter. Criteria: ACMG Guidelines, 2015. Collection method: clinical testing. Allele origin: germline. Affected: no.
Comment: DNA sequence analysis of the DDX41 gene demonstrated a sequence change, c.465G>A, in exon 6 that results in an amino acid change, p.Met155Ile. The p.Met155Ile change has been identified in one patient with refractory anemia with excess blasts, type 1 (PMID: 25920683). This sequence change has been described in the gnomAD database with a population frequency of 0.042% in non- Finnish European populations (dbSNP rs199697328). The p.Met155Ile change affects a highly conserved amino acid residue located in a domain of the DDX41 protein that is not known to be functional. In-silico pathogenicity prediction tools (SIFT, PolyPhen2, Align GVGD, REVEL) provide contradictory results for the p.Met155Ile substitution. Due to these contrasting evidences and the lack of functional studies, the clinical significance of the p.Met155Ile change remains unknown at this time.

Literature cited by the submitters: PubMed 25920683 (cited by Labcorp Genetics (formerly Invitae), Labcorp and Ambry Genetics); PubMed 33929502 (cited by Labcorp Genetics (formerly Invitae), Labcorp); PubMed 35443031 (cited by Labcorp Genetics (formerly Invitae), Labcorp); PubMed 35671390 (cited by Labcorp Genetics (formerly Invitae), Labcorp); PubMed 37154083 (cited by Labcorp Genetics (formerly Invitae), Labcorp); PubMed 37199125 (cited by Labcorp Genetics (formerly Invitae), Labcorp); PubMed 37506341 (cited by Labcorp Genetics (formerly Invitae), Labcorp); PubMed 39453476 (cited by Labcorp Genetics (formerly Invitae), Labcorp).

NM_016222.4(DDX41):c.465G>A (p.Met155Ile)

Gene: DDX41 (DEAD-box helicase 41; minus strand). Cytogenetic location: 5q35.3.
Variant type: single nucleotide variant.
Coding change: c.465G>A on transcript NM_016222.4 (MANE Select); coding-DNA position 465, G replaced by A.
Protein change: p.Met155Ile; replaces methionine 155 with isoleucine.
Molecular consequence: missense variant.
Genome position (GRCh38, 1-based): chr5:177,515,791, C>T on the plus strand (G>A on the coding strand, the complement: DDX41 is on the minus strand). VCF-style: chr5-177515791-C-T. GRCh37 (hg19) VCF-style: chr5-176942792-C-T.
Other names: c.87G>A, p.Met29Ile (NM_001321732.2, NM_001321830.2); short protein forms M155I, M29I.
Identifiers: ClinVar variation 1254618 (VCV001254618.25), dbSNP rs199697328, ClinGen allele CA3585190.